The following is an entry in ClinVar:

NM_004525.3(LRP2):c.2348T>C (p.Val783Ala)

Gene: LRP2 (LDL receptor related protein 2; minus strand). Cytogenetic location: 2q31.1.
Variant type: single nucleotide variant.
Coding change: c.2348T>C on transcript NM_004525.3 (MANE Select); coding-DNA position 2348, T replaced by C.
Protein change: p.Val783Ala; replaces valine 783 with alanine.
Molecular consequence: missense variant.
Genome position (GRCh38, 1-based): chr2:169,259,190, A>G on the plus strand (T>C on the coding strand, the complement: LRP2 is on the minus strand). VCF-style: chr2-169259190-A-G. GRCh37 (hg19) VCF-style: chr2-170115700-A-G.
Other names: short protein forms V783A.
Identifiers: ClinVar variation 1444909 (VCV001444909.6), dbSNP rs1690435216, ClinGen allele CA349158663.
Genomic context (GRCh38, chr2:169,259,190, plus strand): 5'-GAGTCTGTCCAATAGAGATTCTTTGAAATCCAATCAAAAGCCAAACTTTCAACATTTTCC[A>G]CCCTGTTAGCTGCGAGAATTTCTCTTCCTATAAGTTAAAATATGGACATATTTTAAGCTA-3'
Protein context (NP_004516.2, residues 773-793): TGREILAANR[Val783Ala]ENVESLAFDW

ClinVar aggregate classification (germline): Uncertain significance (1 of 4 stars; one submission).

Submission:

Labcorp Genetics (formerly Invitae), Labcorp
Classification: Uncertain significance. Last evaluated: 2021-11-03. Review status: criteria provided, single submitter. Criteria: Invitae Variant Classification Sherloc (09022015). Collection method: clinical testing. Allele origin: germline.
Comment: In summary, the available evidence is currently insufficient to determine the role of this variant in disease. Therefore, it has been classified as a Variant of Uncertain Significance. Advanced modeling of protein sequence and biophysical properties (such as structural, functional, and spatial information, amino acid conservation, physicochemical variation, residue mobility, and thermodynamic stability) performed at Invitae indicates that this missense variant is not expected to disrupt LRP2 protein function. This variant has not been reported in the literature in individuals affected with LRP2-related conditions. This variant is not present in population databases (gnomAD no frequency). This sequence change replaces valine, which is neutral and non-polar, with alanine, which is neutral and non-polar, at codon 783 of the LRP2 protein (p.Val783Ala).